The following is an entry in ClinVar:

ClinVar aggregate classification (germline): Uncertain significance (1 of 4 stars; one submission).

Submission:

Labcorp Genetics (formerly Invitae), Labcorp
Classification: Uncertain significance. Last evaluated: 2023-10-26. Review status: criteria provided, single submitter. Criteria: Invitae Variant Classification Sherloc (09022015). Collection method: clinical testing. Allele origin: germline.
Comment: This sequence change replaces phenylalanine, which is neutral and non-polar, with leucine, which is neutral and non-polar, at codon 968 of the NALCN protein (p.Phe968Leu). This variant is not present in population databases (gnomAD no frequency). This variant has not been reported in the literature in individuals affected with NALCN-related conditions. Advanced modeling of protein sequence and biophysical properties (such as structural, functional, and spatial information, amino acid conservation, physicochemical variation, residue mobility, and thermodynamic stability) performed at Invitae indicates that this missense variant is not expected to disrupt NALCN protein function with a negative predictive value of 80%. In summary, the available evidence is currently insufficient to determine the role of this variant in disease. Therefore, it has been classified as a Variant of Uncertain Significance.

NM_052867.4(NALCN):c.2902T>C (p.Phe968Leu)

Gene: NALCN (sodium leak channel, non-selective; minus strand). Cytogenetic location: 13q33.1.
Variant type: single nucleotide variant.
Coding change: c.2902T>C on transcript NM_052867.4 (MANE Select); coding-DNA position 2902, T replaced by C.
Protein change: p.Phe968Leu; replaces phenylalanine 968 with leucine.
Molecular consequence: missense variant.
Genome position (GRCh38, 1-based): chr13:101,103,327, A>G on the plus strand (T>C on the coding strand, the complement: NALCN is on the minus strand). VCF-style: chr13-101103327-A-G. GRCh37 (hg19) VCF-style: chr13-101755678-A-G.
Other names: c.2989T>C, p.Phe997Leu (NM_001350748.2); c.2902T>C, p.Phe968Leu (NM_001350749.2); c.2815T>C, p.Phe939Leu (NM_001350750.2, NM_001350751.2); short protein forms F997L, F939L, F968L.
Identifiers: ClinVar variation 2875524 (VCV002875524.3), dbSNP rs2034927215, ClinGen allele CA388669444.